The following is an entry in ClinVar:

NM_031935.3(HMCN1):c.8239G>A (p.Ala2747Thr)

Gene: HMCN1 (hemicentin 1; plus strand). Cytogenetic location: 1q31.1.
Variant type: single nucleotide variant.
Coding change: c.8239G>A on transcript NM_031935.3 (MANE Select); coding-DNA position 8239, G replaced by A.
Protein change: p.Ala2747Thr; replaces alanine 2747 with threonine.
Molecular consequence: missense variant.
Genome position (GRCh38, 1-based): chr1:186,074,840, G>A. VCF-style: chr1-186074840-G-A. GRCh37 (hg19) VCF-style: chr1-186043972-G-A.
Other names: c.8239G>A (NM_031935.2); short protein forms A2747T.
Identifiers: ClinVar variation 2894571 (VCV002894571.4), dbSNP rs367769378, ClinGen allele CA1293069.

ClinVar aggregate classification (germline): Uncertain significance. Review status: criteria provided, multiple submitters, no conflicts (2 of 4 stars). 2 submissions from 2 submitters: Uncertain significance (2). Last evaluated 2026-01-17.

Allele frequency attached by ClinVar (database versions not stated): ExAC 0.00006; gnomAD 0.00002; TOPMed 0.00003; gnomAD exomes 0.00007; ESP Exome Variant Server 0.00008.
gnomAD v4.1: 97 of 1,612,898 alleles (0.006%); highest among the groups gnomAD compares: Non-Finnish European, 0.0081%; no homozygotes.

Submissions (2):

Labcorp Genetics (formerly Invitae), Labcorp
Classification: Uncertain significance. Last evaluated: 2026-01-17. Review status: criteria provided, single submitter. Criteria: Invitae Variant Classification Sherloc (09022015). Collection method: clinical testing. Allele origin: germline.
Comment: This sequence change replaces alanine, which is neutral and non-polar, with threonine, which is neutral and polar, at codon 2747 of the HMCN1 protein (p.Ala2747Thr). This variant is present in population databases (rs367769378, gnomAD 0.008%). This variant has not been reported in the literature in individuals affected with HMCN1-related conditions. ClinVar contains an entry for this variant (Variation ID: 2894571). An algorithm developed to predict the effect of missense changes on protein structure and function (PolyPhen-2) suggests that this variant is likely to be disruptive. In summary, the available evidence is currently insufficient to determine the role of this variant in disease. Therefore, it has been classified as a Variant of Uncertain Significance.

Ambry Genetics
Classification: Uncertain significance. Last evaluated: 2025-11-13. Review status: criteria provided, single submitter. Criteria: Ambry Variant Classification Scheme 2023. Collection method: clinical testing. Allele origin: germline.